The following is an entry in ClinVar:

ClinVar aggregate classification (germline): Uncertain significance (1 of 4 stars; one submission).

Submission:

Labcorp Genetics (formerly Invitae), Labcorp
Classification: Uncertain significance. Last evaluated: 2024-08-08. Review status: criteria provided, single submitter. Criteria: Invitae Variant Classification Sherloc (09022015). Collection method: clinical testing. Allele origin: germline.
Comment: This sequence change replaces methionine, which is neutral and non-polar, with valine, which is neutral and non-polar, at codon 133 of the TGFB1 protein (p.Met133Val). This variant is present in population databases (no rsID available, gnomAD 0.0009%). This variant has not been reported in the literature in individuals affected with TGFB1-related conditions. Advanced modeling of protein sequence and biophysical properties (such as structural, functional, and spatial information, amino acid conservation, physicochemical variation, residue mobility, and thermodynamic stability) performed at Invitae indicates that this missense variant is not expected to disrupt TGFB1 protein function with a negative predictive value of 80%. In summary, the available evidence is currently insufficient to determine the role of this variant in disease. Therefore, it has been classified as a Variant of Uncertain Significance.

NM_000660.7(TGFB1):c.397A>G (p.Met133Val)

Gene: TGFB1 (transforming growth factor beta 1; minus strand). Cytogenetic location: 19q13.2.
Variant type: single nucleotide variant.
Coding change: c.397A>G on transcript NM_000660.7 (MANE Select); coding-DNA position 397, A replaced by G.
Protein change: p.Met133Val; replaces methionine 133 with valine.
Molecular consequence: missense variant.
Genome position (GRCh38, 1-based): chr19:41,348,414, T>C on the plus strand (A>G on the coding strand, the complement: TGFB1 is on the minus strand). VCF-style: chr19-41348414-T-C. GRCh37 (hg19) VCF-style: chr19-41854319-T-C.
Other names: short protein forms M133V.
Identifiers: ClinVar variation 3605171 (VCV003605171.2).